The following is an entry in ClinVar:

ClinVar aggregate classification (germline): Uncertain significance (1 of 4 stars; one submission).

Conditions:
Epidermolysis bullosa simplex 3, localized or generalized intermediate, with BP230 deficiency (EBS3). Also called: Epidermolysis bullosa simplex, autosomal recessive 2; Epidermolysis bullosa simplex due to BP230 deficiency. Identifiers: Orphanet 412181, MedGen C3809470, MONDO:0014180, OMIM 615425.
Hereditary sensory and autonomic neuropathy type 6. Also called: Neuropathy, hereditary sensory and autonomic, type VI; HSAN VI. Identifiers: Orphanet 314381, MedGen C3539003, MONDO:0013839, OMIM 614653.

Allele frequency attached by ClinVar (database versions not stated): gnomAD exomes 0.00001.
gnomAD v4.1: 8 of 1,613,958 alleles (0.0005%); highest among the groups gnomAD compares: Non-Finnish European, 0.00068%; no homozygotes.

Submission:

Labcorp Genetics (formerly Invitae), Labcorp
Classification: Uncertain significance for Epidermolysis bullosa simplex 3, localized or generalized intermediate, with BP230 deficiency; Hereditary sensory and autonomic neuropathy type 6. Last evaluated: 2020-05-23. Review status: criteria provided, single submitter. Criteria: Invitae Variant Classification Sherloc (09022015). Collection method: clinical testing. Allele origin: germline.
Comment: In summary, the available evidence is currently insufficient to determine the role of this variant in disease. Therefore, it has been classified as a Variant of Uncertain Significance. Algorithms developed to predict the effect of missense changes on protein structure and function output the following: SIFT: "Tolerated"; PolyPhen-2: "Benign"; Align-GVGD: "Class C0". The threonine amino acid residue is found in multiple mammalian species, suggesting that this missense change does not adversely affect protein function. These predictions have not been confirmed by published functional studies and their clinical significance is uncertain. This variant has not been reported in the literature in individuals with DST-related conditions. This variant is not present in population databases (ExAC no frequency). This sequence change replaces alanine with threonine at codon 813 of the DST protein (p.Ala813Thr). The alanine residue is weakly conserved and there is a small physicochemical difference between alanine and threonine.

NM_001374736.1(DST):c.4048G>A (p.Ala1350Thr)

Gene: DST (dystonin; minus strand). Cytogenetic location: 6p12.1.
Variant type: single nucleotide variant.
Coding change: c.4048G>A on transcript NM_001374736.1 (MANE Select); coding-DNA position 4048, G replaced by A.
Protein change: p.Ala1350Thr; replaces alanine 1350 with threonine.
Molecular consequence: missense variant.
Genome position (GRCh38, 1-based): chr6:56,631,305, C>T on the plus strand (G>A on the coding strand, the complement: DST is on the minus strand). VCF-style: chr6-56631305-C-T. GRCh37 (hg19) VCF-style: chr6-56496103-C-T.
Other names: c.3949G>A, p.Ala1317Thr (NM_001144769.5); c.3535G>A, p.Ala1179Thr (NM_001144770.2); c.4048G>A, p.Ala1350Thr (NM_001374722.1); c.3415G>A, p.Ala1139Thr (NM_001374729.1, NM_001374730.1, NM_001386100.1 and 1 more transcripts); c.4075G>A, p.Ala1359Thr (NM_001374734.1); c.2437G>A, p.Ala813Thr (NM_001723.7, NM_015548.5); short protein forms A1139T, A1179T, A1317T, A1350T, A1359T, A813T.
Identifiers: ClinVar variation 1040314 (VCV001040314.9), dbSNP rs2098777753, ClinGen allele CA364574533.
Genomic context (GRCh38, chr6:56,631,305, plus strand): 5'-GGTTCATGTTCTGAAGGACCACATTAAGCTCTGATCGTAGGGTAGGGACTGATGAAGAGG[C>T]TGCTGCTTGACTGAAAAACTCCTCACACTTATTTGTGATTGTTCCCAAATCATCTTTAAG-3'
Protein context (NP_001361665.1, residues 1340-1360): KCEEFFSQAA[Ala1350Thr]SSSVPTLRSE